The following is an entry in ClinVar:

ClinVar aggregate classification (germline): Pathogenic/Likely pathogenic. Review status: criteria provided, multiple submitters, no conflicts (2 of 4 stars). 10 submissions from 10 submitters: Pathogenic (6); Likely pathogenic (3). 1 of the submissions does not count toward it. Last evaluated 2025-11-29.

Conditions:
Spastic paraplegia. Identifiers: MedGen C0037772, HP:0001258.
Charlevoix-Saguenay spastic ataxia (SACS). Also called: SPASTIC ATAXIA 6, AUTOSOMAL RECESSIVE; AUTOSOMAL RECESSIVE SPASTIC ATAXIA OF CHARLEVOIX-SAGUENAY; Spastic ataxia of Charlevoix-Saguenay. Identifiers: Orphanet 98, MedGen C1849140, MONDO:0010041, OMIM 270550.

Allele frequency attached by ClinVar (database versions not stated): gnomAD 0.00001 and below 0.00001; gnomAD exomes 0.00001.
gnomAD v4.1: 15 of 1,613,260 alleles (0.00093%); highest among the groups gnomAD compares: South Asian, 0.0044%; no homozygotes.

Submissions (10):

Natera, Inc.
Classification: Likely pathogenic for Charlevoix-Saguenay type spastic ataxia. Last evaluated: 2025-11-29. Review status: criteria provided, single submitter. Criteria: Natera Variant Classification Schema (03/2026). Collection method: clinical testing. Allele origin: germline.
Comment: The c.7276C>T variant in SACS is a nonsense variant predicted to introduce a stop codon at amino acid 2426. This variant is expected to result in nonsense mediated decay, truncation, or a dysfunctional protein product. This variant is rare in the general population with a frequency below the threshold expected for the associated phenotype(s). This variant has been observed in one or more individuals affected with the associated recessive disease, as either homozygous or compound heterozygous with a second variant (PMID: 31429931, 39314081). Given the available evidence, this variant is classified as Likely Pathogenic.

GeneDx
Classification: Likely pathogenic. Last evaluated: 2024-10-28. Review status: criteria provided, single submitter. Criteria: GeneDx Variant Classification Process June 2021. Collection method: clinical testing. Allele origin: germline. Affected: yes.
Comment: Reported previously in patients with features such as nystagmus, hyperreflexia, babinski sign, cerebellar atrophy, spasticity, and delayed motor milestones; these patients also harbored a second variant (phase unknown) (PMID: 20876471, 31429931); Reported previously as a pathogenic variant in a patient with neuropathy, ataxia, myelopathy, spasticity, nystagmus, lysosomal storage disorder, very long chain fatty acid disorder, metabolic disorder, and Charcot-Marie Tooth disease; a second variant was identified but phase was unknown (PMID: 25326637); Reported previously in a patient with ataxic cerebral palsy and dyspraxia who also harbored a second variant (phase unknown (PMID: 34655503); Nonsense variant predicted to result in protein truncation, as the last 2154 amino acids are lost, and other loss-of-function variants have been reported downstream in HGMD; Not observed at significant frequency in large population cohorts (gnomAD); This variant is associated with the following publications: (PMID: 31589614, 32307416, 35008978, 23280630, 25326637, 20876471, 31429931, 34655503)

Fulgent Genetics
Classification: Likely pathogenic for Charlevoix-Saguenay spastic ataxia. Last evaluated: 2024-02-21. Review status: criteria provided, single submitter. Criteria: ACMG Guidelines, 2015. Collection method: clinical testing. Allele origin: germline.

Baylor Genetics
Classification: Pathogenic for Charlevoix-Saguenay spastic ataxia. Last evaluated: 2024-01-24. Review status: criteria provided, single submitter. Criteria: ACMG Guidelines, 2015. Collection method: clinical testing. Allele origin: unknown.

Labcorp Genetics (formerly Invitae), Labcorp
Classification: Pathogenic for Spastic paraplegia. Last evaluated: 2023-12-04. Review status: criteria provided, single submitter. Criteria: Invitae Variant Classification Sherloc (09022015). Collection method: clinical testing. Allele origin: germline.
Comment: This sequence change creates a premature translational stop signal (p.Arg2426*) in the SACS gene. While this is not anticipated to result in nonsense mediated decay, it is expected to disrupt the last 2154 amino acid(s) of the SACS protein. This variant is not present in population databases (gnomAD no frequency). This premature translational stop signal has been observed in individual(s) with clinical features of spastic paraplegia (PMID: 20876471). ClinVar contains an entry for this variant (Variation ID: 189175). This variant disrupts a region of the SACS protein in which other variant(s) (p.Arg3903*) have been determined to be pathogenic (PMID: 19892370, 21745802). This suggests that this is a clinically significant region of the protein, and that variants that disrupt it are likely to be disease-causing. For these reasons, this variant has been classified as Pathogenic.

PROSPAX: an integrated multimodal progression  chart in spastic ataxias, Center for Neurology; Hertie-Institute for Clinical Brain Research
Classification: Pathogenic for Charlevoix-Saguenay spastic ataxia. Last evaluated: 2022-01-01. Review status: criteria provided, single submitter. Criteria: ACMG Guidelines, 2015. Collection method: research. Allele origin: germline. Affected: yes. Observed: 1 variant allele, 1 homozygote.

Genome-Nilou Lab
Classification: Pathogenic for Charlevoix-Saguenay spastic ataxia. Last evaluated: 2021-09-05. Review status: criteria provided, single submitter. Criteria: ACMG Guidelines, 2015. Collection method: clinical testing. Allele origin: germline. Affected: no.

Women's Health and Genetics/Laboratory Corporation of America, LabCorp
Classification: Pathogenic for Charlevoix-Saguenay spastic ataxia. Last evaluated: 2021-06-10. Review status: criteria provided, single submitter. Criteria: LabCorp Variant Classification Summary - May 2015. Collection method: clinical testing. Allele origin: germline.
Comment: Variant summary: SACS c.7276C>T (p.Arg2426X) results in a premature termination codon, predicted to cause a truncation of the encoded protein or absence of the protein due to nonsense mediated decay, which are commonly known mechanisms for disease. Truncations downstream of this position have been classified as pathogenic by our laboratory. The variant was absent in 250002 control chromosomes. c.7276C>T has been reported in the literature in individuals affected or suspected to be affected with Autosomal Recessive Spastic Ataxia Of Charlevoix-Saguenay (e.g. Baets_2010, Lee_2014, Shakya_2019). These data indicate that the variant may be associated with disease. To our knowledge, no experimental evidence demonstrating an impact on protein function has been reported. Two clinical diagnostic laboratories have submitted clinical-significance assessments for this variant to ClinVar after 2014 without evidence for independent evaluation. Both laboratories cited the variant as pathogenic/likely pathogenic. Based on the evidence outlined above, the variant was classified as pathogenic.

Eurofins Ntd Llc (ga)
Classification: Pathogenic. Last evaluated: 2018-08-22. Review status: criteria provided, single submitter. Criteria: EGL ClinVar v180209 classification definitions. Collection method: clinical testing. Allele origin: germline. Observed: 1 variant allele, 1 heterozygote.

Counsyl
Classification: Likely pathogenic for Spastic ataxia Charlevoix-Saguenay type. Last evaluated: 2015-02-06. Review status: no assertion criteria provided. Collection method: literature only. Allele origin: unknown. Inheritance: Autosomal recessive inheritance. Not counted in ClinVar's aggregate classification.

Literature cited by the submitters: PubMed 31429931 (cited by Natera, Inc. and Women's Health and Genetics/Laboratory Corporation of America, LabCorp); PubMed 39314081 (cited by Natera, Inc.); PubMed 20876471 (cited by 3 submitters); PubMed 19892370 (cited by Labcorp Genetics (formerly Invitae), Labcorp); PubMed 21745802 (cited by Labcorp Genetics (formerly Invitae), Labcorp); PubMed 23280630 (cited by Women's Health and Genetics/Laboratory Corporation of America, LabCorp); PubMed 25326637 (cited by Women's Health and Genetics/Laboratory Corporation of America, LabCorp).

NM_014363.6(SACS):c.7276C>T (p.Arg2426Ter)

Gene: SACS (sacsin molecular chaperone; minus strand). Cytogenetic location: 13q12.12.
Variant type: single nucleotide variant.
Coding change: c.7276C>T on transcript NM_014363.6 (MANE Select); coding-DNA position 7276, C replaced by T.
Protein change: p.Arg2426Ter; replaces arginine 2426 with a stop codon.
Molecular consequence: nonsense.
Genome position (GRCh38, 1-based): chr13:23,336,600, G>A on the plus strand (C>T on the coding strand, the complement: SACS is on the minus strand). VCF-style: chr13-23336600-G-A. GRCh37 (hg19) VCF-style: chr13-23910739-G-A.
Other names: c.6835C>T, p.Arg2279Ter (NM_001278055.2); short protein forms R2426*, R2279*.
Identifiers: ClinVar variation 189175 (VCV000189175.27), dbSNP rs786204750, ClinGen allele CA274458.